The following is an entry in ClinVar:

ClinVar aggregate classification (germline): Likely benign (1 of 4 stars; one submission).

Conditions:
Leigh syndrome (NULS). Also called: Leigh's necrotizing encephalopathy; Leigh's disease; Leigh Syndrome (mtDNA deletion); Leigh Disease; Subacute necrotizing encephalopathy; Necrotizing encephalopathy infantile subacute of Leigh. Identifiers: Orphanet 506, MedGen C2931891, MONDO:0009723, OMIM 256000.

Submission:

Wong Mito Lab, Molecular and Human Genetics, Baylor College of Medicine
Classification: Likely benign for Leigh syndrome. Last evaluated: 2019-10-17. Review status: criteria provided, single submitter. Criteria: Modified ACMG Guidelines (Unpublished). Collection method: clinical testing. Allele origin: germline.
Comment: The NC_012920.1:m.8597T>C (YP_003024031.1:p.Ile24Thr) variant in MTATP6 gene is interpretated to be a Likely Benign variant based on the modified ACMG guidelines (unpublished). This variant meets the following evidence codes: BS1, BP6

NC_012920.1(MT-ATP6):m.8597T>C

Gene: MT-ATP6 (mitochondrially encoded ATP synthase 6; plus strand).
Variant type: single nucleotide variant.
Genome position: chrM-8597-T-C.
Identifiers: ClinVar variation 692918 (VCV000692918.1), dbSNP rs1603221620, ClinGen allele CA414796857.